The following is an entry in ClinVar:

ClinVar aggregate classification (germline): Uncertain significance. Review status: criteria provided, multiple submitters, no conflicts (2 of 4 stars). 3 submissions from 3 submitters: Uncertain significance (3). Last evaluated 2025-11-03.

Conditions:
Spermatogenic failure 18. Identifiers: MedGen C4539783, MONDO:0054615, OMIM 617576.
Ciliary dyskinesia, primary, 37 (CILD37). Also called: CILIARY DYSKINESIA, PRIMARY, 37, WITH OR WITHOUT SITUS INVERSUS. Identifiers: MedGen C4539798, MONDO:0033204, OMIM 617577.

gnomAD v4.1: 20 of 1,602,642 alleles (0.0012%); highest among the groups gnomAD compares: African/African-American, 0.008%; no homozygotes.

Submissions (3):

Ambry Genetics
Classification: Uncertain significance. Last evaluated: 2025-11-03. Review status: criteria provided, single submitter. Criteria: Ambry Variant Classification Scheme 2023. Collection method: clinical testing. Allele origin: germline.

Labcorp Genetics (formerly Invitae), Labcorp
Classification: Uncertain significance for Ciliary dyskinesia, primary, 37; Spermatogenic failure 18. Last evaluated: 2024-12-30. Review status: criteria provided, single submitter. Criteria: Invitae Variant Classification Sherloc (09022015). Collection method: clinical testing. Allele origin: germline.
Comment: This sequence change replaces alanine, which is neutral and non-polar, with threonine, which is neutral and polar, at codon 512 of the DNAH1 protein (p.Ala512Thr). This variant is present in population databases (rs761858704, gnomAD 0.006%). This variant has not been reported in the literature in individuals affected with DNAH1-related conditions. An algorithm developed to predict the effect of missense changes on protein structure and function (PolyPhen-2) suggests that this variant is likely to be tolerated. In summary, the available evidence is currently insufficient to determine the role of this variant in disease. Therefore, it has been classified as a Variant of Uncertain Significance.

Blueprint Genetics
Classification: Uncertain significance. Last evaluated: 2022-06-29. Review status: criteria provided, single submitter. Criteria: ACMG Guidelines, 2015. Collection method: clinical testing. Allele origin: germline.

NM_015512.5(DNAH1):c.1534G>A (p.Ala512Thr)

Gene: DNAH1 (dynein axonemal heavy chain 1; plus strand). Cytogenetic location: 3p21.1.
Variant type: single nucleotide variant.
Coding change: c.1534G>A on transcript NM_015512.5 (MANE Select); coding-DNA position 1534, G replaced by A.
Protein change: p.Ala512Thr; replaces alanine 512 with threonine.
Molecular consequence: missense variant.
Genome position (GRCh38, 1-based): chr3:52,345,584, G>A. VCF-style: chr3-52345584-G-A. GRCh37 (hg19) VCF-style: chr3-52379600-G-A.
Other names: c.1534G>A (NM_015512.4); short protein forms A512T.
Identifiers: ClinVar variation 3751535 (VCV003751535.4).